The following is an entry in ClinVar:

ClinVar aggregate classification (germline): Uncertain significance (1 of 4 stars; one submission).

Allele frequency attached by ClinVar (database versions not stated): gnomAD 0.00001; gnomAD exomes 0.00001; TOPMed 0.00001.
gnomAD v4.1: 18 of 1,613,866 alleles (0.0011%); highest among the groups gnomAD compares: Non-Finnish European, 0.0015%; no homozygotes.

Submission:

Labcorp Genetics (formerly Invitae), Labcorp
Classification: Uncertain significance. Last evaluated: 2024-04-03. Review status: criteria provided, single submitter. Criteria: Invitae Variant Classification Sherloc (09022015). Collection method: clinical testing. Allele origin: germline.
Comment: This sequence change replaces proline, which is neutral and non-polar, with alanine, which is neutral and non-polar, at codon 168 of the RELA protein (p.Pro168Ala). This variant is present in population databases (no rsID available, gnomAD 0.0009%). This variant has not been reported in the literature in individuals affected with RELA-related conditions. ClinVar contains an entry for this variant (Variation ID: 1996826). An algorithm developed to predict the effect of missense changes on protein structure and function (PolyPhen-2) suggests that this variant is likely to be tolerated. In summary, the available evidence is currently insufficient to determine the role of this variant in disease. Therefore, it has been classified as a Variant of Uncertain Significance.

NM_021975.4(RELA):c.502C>G (p.Pro168Ala)

Gene: RELA (RELA proto-oncogene, NF-kB subunit; minus strand). Cytogenetic location: 11q13.1.
Variant type: single nucleotide variant.
Coding change: c.502C>G on transcript NM_021975.4 (MANE Select); coding-DNA position 502, C replaced by G.
Protein change: p.Pro168Ala; replaces proline 168 with alanine.
Molecular consequence: missense variant.
Genome position (GRCh38, 1-based): chr11:65,659,723, G>C on the plus strand (C>G on the coding strand, the complement: RELA is on the minus strand). VCF-style: chr11-65659723-G-C. GRCh37 (hg19) VCF-style: chr11-65427194-G-C.
Other names: c.493C>G, p.Pro165Ala (NM_001145138.2); c.502C>G, p.Pro168Ala (NM_001243984.2, NM_001243985.2, NM_001404659.1 and 1 more transcripts); c.535C>G, p.Pro179Ala (NM_001404657.1); c.475C>G, p.Pro159Ala (NM_001404658.1); c.121C>G, p.Pro41Ala (NM_001404661.1); c.409C>G, p.Pro137Ala (NM_001404662.1, NM_001404663.1); short protein forms P137A, P159A, P165A, P168A, P179A, P41A.
Identifiers: ClinVar variation 1996826 (VCV001996826.4), dbSNP rs1416924926, ClinGen allele CA381392932.
Genomic context (GRCh38, chr11:65,659,723, plus strand): 5'-CACGATTGTCAAAGATGGGATGAGAAAGGACAGGCGGCAGGCGGAGGGGCCTGCCTGATG[G>C]GTCCCGCACTGTCACCTGGAAGCAGAGCCGCACAGCATTCAGGTCGTAGTCCCCACGCTG-3'
Protein context (NP_068810.3, residues 158-178): RLCFQVTVRD[Pro168Ala]SGRPLRLPPV